The following is an entry in ClinVar:

ClinVar aggregate classification (germline): Likely pathogenic. Review status: criteria provided, single submitter (1 of 4 stars). 2 submissions from 2 submitters: Likely pathogenic (1). 1 of the submissions does not count toward it. Last evaluated 2025-10-08.

Conditions:
GNPTG-mucolipidosis. Also called: Mucolipidosis type III gamma; ML III GAMMA; ML IIIC; MUCOLIPIDOSIS III, COMPLEMENTATION GROUP C; MUCOLIPIDOSIS III, IRANIAN VARIANT FORM; MUCOLIPIDOSIS III, VARIANT FORM. Identifiers: Orphanet 423470, Orphanet 577, MedGen C1854896, MONDO:0009652, OMIM 252605.

Allele frequency attached by ClinVar (database versions not stated): gnomAD 0.00001.

Submissions (2):

Natera, Inc.
Classification: Likely pathogenic for Mucolipidosis III gamma. Last evaluated: 2025-10-08. Review status: criteria provided, single submitter. Criteria: Natera Variant Classification Schema (03/2026). Collection method: clinical testing. Allele origin: germline.
Comment: The c.823+1G>T variant in GNPTG is a canonical splice donor site variant predicted to affect pre-mRNA splicing, which may result in an abnormal transcript and altered protein product. This variant is expected to result in nonsense mediated decay, truncation, or a dysfunctional protein product. This variant is rare in the general population with a frequency below the threshold expected for the associated phenotype(s). Given the available evidence, this variant is classified as Likely Pathogenic.

Counsyl
Classification: Likely pathogenic for GNPTG-mucolipidosis. Last evaluated: 2018-06-04. Review status: no assertion criteria provided. Collection method: clinical testing. Allele origin: unknown. Not counted in ClinVar's aggregate classification.

NM_032520.5(GNPTG):c.823+1G>T

Gene: GNPTG (N-acetylglucosamine-1-phosphate transferase subunit gamma; plus strand). Cytogenetic location: 16p13.3.
Variant type: single nucleotide variant.
Coding change: c.823+1G>T on transcript NM_032520.5 (MANE Select); the canonical splice donor site of the intron after coding-DNA position 823, G replaced by T.
Molecular consequence: splice donor variant.
Genome position (GRCh38, 1-based): chr16:1,362,907, G>T. VCF-style: chr16-1362907-G-T. GRCh37 (hg19) VCF-style: chr16-1412908-G-T.
Identifiers: ClinVar variation 558624 (VCV000558624.3), dbSNP rs1385935677, ClinGen allele CA394188830.